The following is an entry in ClinVar:

ClinVar aggregate classification (germline): Uncertain significance (1 of 4 stars; one submission).

Conditions:
Perlman syndrome (PRLMNS). Identifiers: Orphanet 2849, MedGen C0796113, MONDO:0009965, OMIM 267000.

Submission:

Labcorp Genetics (formerly Invitae), Labcorp
Classification: Uncertain significance for Perlman syndrome. Last evaluated: 2022-08-09. Review status: criteria provided, single submitter. Criteria: Invitae Variant Classification Sherloc (09022015). Collection method: clinical testing. Allele origin: germline.
Comment: Algorithms developed to predict the effect of missense changes on protein structure and function (SIFT, PolyPhen-2, Align-GVGD) all suggest that this variant is likely to be tolerated. This sequence change replaces serine, which is neutral and polar, with threonine, which is neutral and polar, at codon 194 of the DIS3L2 protein (p.Ser194Thr). This variant is not present in population databases (gnomAD no frequency). This variant has not been reported in the literature in individuals affected with DIS3L2-related conditions. ClinVar contains an entry for this variant (Variation ID: 1377879). In summary, the available evidence is currently insufficient to determine the role of this variant in disease. Therefore, it has been classified as a Variant of Uncertain Significance.

NM_152383.5(DIS3L2):c.580T>A (p.Ser194Thr)

Gene: DIS3L2 (DIS3 like 3'-5' exoribonuclease 2; plus strand). Cytogenetic location: 2q37.1.
Variant type: single nucleotide variant.
Coding change: c.580T>A on transcript NM_152383.5 (MANE Select); coding-DNA position 580, T replaced by A.
Protein change: p.Ser194Thr; replaces serine 194 with threonine.
Molecular consequence: missense variant. On other transcripts: non-coding transcript variant (2).
Genome position (GRCh38, 1-based): chr2:232,087,700, T>A. VCF-style: chr2-232087700-T-A. GRCh37 (hg19) VCF-style: chr2-232952410-T-A.
Other names: c.580T>A, p.Ser194Thr (NM_001257281.2, NM_001257282.2); short protein forms S194T.
Identifiers: ClinVar variation 1377879 (VCV001377879.8), dbSNP rs2106309691, ClinGen allele CA351155291.